The following is an entry in ClinVar:

NM_006941.4(SOX10):c.380C>T (p.Pro127Leu)

Genes: POLR2F (RNA polymerase II, I and III subunit F; plus strand), SOX10 (SRY-box transcription factor 10; minus strand). Cytogenetic location: 22q13.1.
Variant type: single nucleotide variant.
Coding change: c.380C>T on transcript NM_006941.4 (MANE Select); coding-DNA position 380, C replaced by T.
Protein change: p.Pro127Leu; replaces proline 127 with leucine.
Molecular consequence: missense variant. On other transcripts: intron variant (3).
Genome position (GRCh38, 1-based): chr22:37,983,405, G>A on the plus strand (C>T on the coding strand, the complement: SOX10 is on the minus strand). VCF-style: chr22-37983405-G-A. GRCh37 (hg19) VCF-style: chr22-38379412-G-A.
Other names: c.*38+11095G>A (NM_001363825.1); c.294-2749G>A (NM_001301130.2); c.293+16235G>A (NM_001301131.2); short protein forms P127L.
Identifiers: ClinVar variation 2431024 (VCV002431024.1), dbSNP rs2518052351, ClinGen allele CA411500237.

ClinVar aggregate classification (germline): Uncertain significance (1 of 4 stars; one submission).

Submission:

GeneDx
Classification: Uncertain significance. Last evaluated: 2022-08-18. Review status: criteria provided, single submitter. Criteria: GeneDx Variant Classification Process June 2021. Collection method: clinical testing. Allele origin: germline. Affected: yes.
Comment: Not observed at significant frequency in large population cohorts (gnomAD); In silico analysis supports that this missense variant has a deleterious effect on protein structure/function; Has not been previously published as pathogenic or benign to our knowledge